The following is an entry in ClinVar:

NM_030957.4(ADAMTS10):c.150C>T (p.Asn50=)

Gene: ADAMTS10 (ADAM metallopeptidase with thrombospondin type 1 motif 10; minus strand). Cytogenetic location: 19p13.2.
Variant type: single nucleotide variant.
Coding change: c.150C>T on transcript NM_030957.4 (MANE Select); coding-DNA position 150, C replaced by T.
Protein change: p.Asn50=; no amino-acid change (asparagine 50 retained).
Molecular consequence: synonymous variant.
Genome position (GRCh38, 1-based): chr19:8,605,297, G>A on the plus strand (C>T on the coding strand, the complement: ADAMTS10 is on the minus strand). VCF-style: chr19-8605297-G-A. GRCh37 (hg19) VCF-style: chr19-8670182-G-A.
Other names: c.150C>T (NM_030957.3).
Identifiers: ClinVar variation 1077698 (VCV001077698.12), dbSNP rs148496249, ClinGen allele CA9160918.

ClinVar aggregate classification (germline): Likely benign. Review status: criteria provided, multiple submitters, no conflicts (2 of 4 stars). 4 submissions from 4 submitters: Likely benign (3). 1 of the submissions does not count toward it. Last evaluated 2026-01-28.

Conditions:
ADAMTS10-related disorder. Also called: ADAMTS10-related condition.

Allele frequency attached by ClinVar (database versions not stated): ESP Exome Variant Server 0.00015; TOPMed 0.00022; gnomAD 0.00023 and 0.00028; gnomAD exomes 0.00023 and 0.00045; ExAC 0.00034.

Submissions (4):

Labcorp Genetics (formerly Invitae), Labcorp
Classification: Likely benign. Last evaluated: 2026-01-28. Review status: criteria provided, single submitter. Criteria: Invitae Variant Classification Sherloc (09022015). Collection method: clinical testing. Allele origin: germline.

Blueprint Genetics
Classification: Likely benign. Last evaluated: 2024-11-26. Review status: criteria provided, single submitter. Criteria: ACMG Guidelines, 2015. Collection method: clinical testing. Allele origin: germline.

Breakthrough Genomics
Classification: Likely benign. Review status: criteria provided, single submitter. Criteria: ACMG Guidelines, 2015. Collection method: not provided. Allele origin: germline. Inheritance: Autosomal recessive inheritance. Affected: yes.

PreventionGenetics, part of Exact Sciences
Classification: Likely benign for ADAMTS10-related condition. Last evaluated: 2024-06-28. Review status: no assertion criteria provided. Collection method: clinical testing. Allele origin: germline. Not counted in ClinVar's aggregate classification.
Comment: This variant is classified as likely benign based on ACMG/AMP sequence variant interpretation guidelines (Richards et al. 2015 PMID: 25741868, with internal and published modifications).